The following is an entry in ClinVar:

ClinVar aggregate classification (germline): Benign/Likely benign. Review status: criteria provided, multiple submitters, no conflicts (2 of 4 stars). 7 submissions from 5 submitters: Benign (4); Likely benign (3). Last evaluated 2026-01-11.

Conditions:
Hereditary spherocytosis type 3. Also called: Spherocytosis type 3; SPTA1-Related Spherocytosis. Identifiers: Orphanet 822, MedGen C2678338, MONDO:0010053, OMIM 270970.
Pyropoikilocytosis, hereditary. Also called: Pyropoikilocytosis. Identifiers: MedGen C0520739, MONDO:0009948, OMIM 266140, HP:0004839. Disease mechanism: loss of function.
Elliptocytosis 2 (EL2). Also called: ELLIPTOCYTOSIS, RHESUS-UNLINKED TYPE. Identifiers: Orphanet 288, MedGen C1851741, MONDO:0007533, OMIM 130600.

Allele frequency attached by ClinVar (database versions not stated): gnomAD exomes 0.00118 and 0.00302; ExAC 0.00363; 1000 Genomes Project 0.01118; 1000 Genomes Project 30x 0.01140; gnomAD 0.01197 and 0.01270; ESP Exome Variant Server 0.01266; TOPMed 0.01383.
gnomAD v4.1: 3,643 of 1,614,112 alleles (0.23%); highest among the groups gnomAD compares: African/African-American, 4.2%; 62 homozygotes.

Submissions (7):

Labcorp Genetics (formerly Invitae), Labcorp
Classification: Benign. Last evaluated: 2026-01-11. Review status: criteria provided, single submitter. Criteria: Invitae Variant Classification Sherloc (09022015). Collection method: clinical testing. Allele origin: germline.

ARUP Laboratories, Molecular Genetics and Genomics, ARUP Laboratories
Classification: Benign. Last evaluated: 2025-07-14. Review status: criteria provided, single submitter. Criteria: ARUP Molecular Germline Variant Investigation Process 2024. Collection method: clinical testing. Allele origin: germline.

Illumina Laboratory Services, Illumina
Classification: Likely benign for Hereditary spherocytosis type 3. Last evaluated: 2018-01-13. Review status: criteria provided, single submitter. Criteria: ICSL Variant Classification Criteria 13 December 2019. Collection method: clinical testing. Allele origin: germline.
Comment: This variant was observed in the ICSL laboratory as part of a predisposition screen in an ostensibly healthy population. It had not been previously curated by ICSL or reported in the Human Gene Mutation Database (HGMD: prior to June 1st, 2018), and was therefore a candidate for classification through an automated scoring system. Utilizing variant allele frequency, disease prevalence and penetrance estimates, and inheritance mode, an automated score was calculated to assess if this variant is too frequent to cause the disease. Based on the score and internal cut-off values, a variant classified as likely benign is not then subjected to further curation. The score for this variant resulted in a classification of likely benign for this disease.

Illumina Laboratory Services, Illumina
Classification: Likely benign for Pyropoikilocytosis, hereditary. Last evaluated: 2018-01-13. Review status: criteria provided, single submitter. Criteria: ICSL Variant Classification Criteria 13 December 2019. Collection method: clinical testing. Allele origin: germline.
Comment: the same text as in the submission from Illumina Laboratory Services, Illumina above.

Illumina Laboratory Services, Illumina
Classification: Benign for Elliptocytosis 2. Last evaluated: 2018-01-13. Review status: criteria provided, single submitter. Criteria: ICSL Variant Classification Criteria 13 December 2019. Collection method: clinical testing. Allele origin: germline.
Comment: This variant was observed in the ICSL laboratory as part of a predisposition screen in an ostensibly healthy population. It had not been previously curated by ICSL or reported in the Human Gene Mutation Database (HGMD: prior to June 1st, 2018), and was therefore a candidate for classification through an automated scoring system. Utilizing variant allele frequency, disease prevalence and penetrance estimates, and inheritance mode, an automated score was calculated to assess if this variant is too frequent to cause the disease. Based on the score and internal cut-off values, a variant classified as benign is not then subjected to further curation. The score for this variant resulted in a classification of benign for this disease.

Mayo Clinic Laboratories, Mayo Clinic
Classification: Benign. Last evaluated: 2016-09-15. Review status: criteria provided, single submitter. Criteria: ACMG Guidelines, 2015. Collection method: clinical testing. Allele origin: germline. Observed: 34 variant alleles.

Breakthrough Genomics
Classification: Likely benign. Review status: criteria provided, single submitter. Criteria: ACMG Guidelines, 2015. Collection method: not provided. Allele origin: germline. Inheritance: Autosomal recessive inheritance. Affected: yes.

NM_003126.4(SPTA1):c.3171G>A (p.Gln1057=)

Gene: SPTA1 (spectrin alpha, erythrocytic 1; minus strand). Cytogenetic location: 1q23.1.
Variant type: single nucleotide variant.
Coding change: c.3171G>A on transcript NM_003126.4 (MANE Select); coding-DNA position 3171, G replaced by A.
Protein change: p.Gln1057=; no amino-acid change (glutamine 1057 retained).
Molecular consequence: synonymous variant.
Genome position (GRCh38, 1-based): chr1:158,653,291, C>T on the plus strand (G>A on the coding strand, the complement: SPTA1 is on the minus strand). VCF-style: chr1-158653291-C-T. GRCh37 (hg19) VCF-style: chr1-158623081-C-T.
Other names: p.Gln1057=.
Identifiers: ClinVar variation 292998 (VCV000292998.27), dbSNP rs35078963, ClinGen allele CA1183154.